The following is an entry in ClinVar:

NM_199420.4(POLQ):c.2105T>C (p.Val702Ala)

Gene: POLQ (DNA polymerase theta; minus strand). Cytogenetic location: 3q13.33.
Variant type: single nucleotide variant.
Coding change: c.2105T>C on transcript NM_199420.4 (MANE Select); coding-DNA position 2105, T replaced by C.
Protein change: p.Val702Ala; replaces valine 702 with alanine.
Molecular consequence: missense variant.
Genome position (GRCh38, 1-based): chr3:121,498,525, A>G on the plus strand (T>C on the coding strand, the complement: POLQ is on the minus strand). VCF-style: chr3-121498525-A-G. GRCh37 (hg19) VCF-style: chr3-121217372-A-G.
Other names: short protein forms V702A.
Identifiers: ClinVar variation 3229871 (VCV003229871.1), dbSNP rs1188563169, ClinGen allele CA354109957.
Genomic context (GRCh38, chr3:121,498,525, plus strand): 5'-CTTGACGTTTACCTTTTATGGATGGCCATTTGTCGATGCTGTCTCTCAGTTCTGGCTACT[A>G]CTTTTCCTTTCACACAACGGGCCAAGAACCCCTCTTCAACTCCCACTAGCTCTGCCACCC-3'
Protein context (NP_955452.3, residues 692-712): GFLARCVKGK[Val702Ala]VARTERQHRQ

ClinVar aggregate classification (germline): Uncertain significance (1 of 4 stars; one submission).

Allele frequency attached by ClinVar (database versions not stated): gnomAD exomes below 0.00001; TOPMed below 0.00001.
gnomAD v4.1: 1 of 1,614,066 alleles (0.000062%); highest among the groups gnomAD compares: Admixed American, 0.0017%; no homozygotes.

Submission:

Ambry Genetics
Classification: Uncertain significance. Last evaluated: 2023-12-23. Review status: criteria provided, single submitter. Criteria: Ambry Variant Classification Scheme 2023. Collection method: clinical testing. Allele origin: germline.
Comment: The p.V702A variant (also known as c.2105T>C), located in coding exon 13 of the POLQ gene, results from a T to C substitution at nucleotide position 2105. The valine at codon 702 is replaced by alanine, an amino acid with similar properties. This amino acid position is conserved. In addition, this alteration is predicted to be tolerated by in silico analysis. Since supporting evidence is limited at this time, the clinical significance of this alteration remains unclear.